The following is an entry in ClinVar:

NM_007194.4(CHEK2):c.787G>A (p.Glu263Lys)

Gene: CHEK2 (checkpoint kinase 2; minus strand). Cytogenetic location: 22q12.1.
Variant type: single nucleotide variant.
Coding change: c.787G>A on transcript NM_007194.4 (MANE Select); coding-DNA position 787, G replaced by A.
Protein change: p.Glu263Lys; replaces glutamic acid 263 with lysine.
Molecular consequence: missense variant.
Genome position (GRCh38, 1-based): chr22:28,711,914, C>T on the plus strand (G>A on the coding strand, the complement: CHEK2 is on the minus strand). VCF-style: chr22-28711914-C-T. GRCh37 (hg19) VCF-style: chr22-29107902-C-T.
Other names: c.916G>A, p.Glu306Lys (NM_001005735.3); c.124G>A, p.Glu42Lys (NM_001257387.3); c.586G>A, p.Glu196Lys (NM_001349956.3); c.787G>A, p.Glu263Lys (NM_145862.3); short protein forms E42K, E196K, E263K, E306K.
Identifiers: ClinVar variation 827308 (VCV000827308.20), dbSNP rs730881686, ClinGen allele CA411103048.

ClinVar aggregate classification (germline): Uncertain significance. Review status: criteria provided, multiple submitters, no conflicts (2 of 4 stars). 3 submissions from 3 submitters: Uncertain significance (3). Last evaluated 2025-03-24.

Conditions:
Hereditary cancer-predisposing syndrome. Also called: Neoplastic Syndromes, Hereditary; Tumor predisposition; Hereditary neoplastic syndrome; Hereditary Cancer Syndrome. Identifiers: Orphanet 140162, MedGen C0027672, MeSH D009386, MONDO:0015356.
Familial cancer of breast. Also called: BREAST CANCER, FAMILIAL; Hereditary breast cancer; hereditary breast carcinoma. Identifiers: Orphanet 227535, MedGen C0346153, MONDO:0016419, OMIM 114480. Disease mechanism: loss of function.

Submissions (3):

Ambry Genetics
Classification: Uncertain significance for Hereditary cancer-predisposing syndrome. Last evaluated: 2025-03-24. Review status: criteria provided, single submitter. Criteria: Ambry Variant Classification Scheme 2023. Collection method: clinical testing. Allele origin: germline.
Comment: The p.E263K variant (also known as c.787G>A), located in coding exon 5 of the CHEK2 gene, results from a G to A substitution at nucleotide position 787. The glutamic acid at codon 263 is replaced by lysine, an amino acid with similar properties. This amino acid position is well conserved in available vertebrate species. In addition, the in silico prediction for this alteration is inconclusive. Based on the available evidence, the clinical significance of this variant remains unclear.

Labcorp Genetics (formerly Invitae), Labcorp
Classification: Uncertain significance for Familial cancer of breast. Last evaluated: 2024-10-11. Review status: criteria provided, single submitter. Criteria: Invitae Variant Classification Sherloc (09022015). Collection method: clinical testing. Allele origin: germline.
Comment: This sequence change replaces glutamic acid, which is acidic and polar, with lysine, which is basic and polar, at codon 263 of the CHEK2 protein (p.Glu263Lys). This variant is not present in population databases (gnomAD no frequency). This variant has not been reported in the literature in individuals affected with CHEK2-related conditions. ClinVar contains an entry for this variant (Variation ID: 827308). An algorithm developed to predict the effect of missense changes on protein structure and function (PolyPhen-2) suggests that this variant is likely to be tolerated. In summary, the available evidence is currently insufficient to determine the role of this variant in disease. Therefore, it has been classified as a Variant of Uncertain Significance.

Color Diagnostics, LLC DBA Color Health
Classification: Uncertain significance for Hereditary cancer-predisposing syndrome. Last evaluated: 2022-09-12. Review status: criteria provided, single submitter. Criteria: ACMG Guidelines, 2015. Collection method: clinical testing. Allele origin: germline.
Comment: This missense variant replaces glutamic acid with lysine at codon 263 of the CHEK2 protein. Computational prediction suggests that this variant may not impact protein structure and function (internally defined REVEL score threshold <= 0.5, PMID: 27666373). To our knowledge, functional studies have not been reported for this variant. This variant has not been reported in individuals affected with hereditary cancer in the literature. This variant has not been identified in the general population by the Genome Aggregation Database (gnomAD). The available evidence is insufficient to determine the role of this variant in disease conclusively. Therefore, this variant is classified as a Variant of Uncertain Significance.